The following is an entry in ClinVar:

NM_004260.4(RECQL4):c.1960C>T (p.Gln654Ter)

Gene: RECQL4 (RecQ like helicase 4; minus strand). Cytogenetic location: 8q24.3.
Variant type: single nucleotide variant.
Coding change: c.1960C>T on transcript NM_004260.4 (MANE Select); coding-DNA position 1960, C replaced by T.
Protein change: p.Gln654Ter; replaces glutamine 654 with a stop codon.
Molecular consequence: nonsense.
Genome position (GRCh38, 1-based): chr8:144,514,026, G>A on the plus strand (C>T on the coding strand, the complement: RECQL4 is on the minus strand). VCF-style: chr8-144514026-G-A. GRCh37 (hg19) VCF-style: chr8-145739410-G-A.
Other names: short protein forms Q654*.
Identifiers: ClinVar variation 528982 (VCV000528982.8), dbSNP rs552960344, ClinGen allele CA187684495.

ClinVar aggregate classification (germline): Pathogenic (1 of 4 stars; one submission).

Conditions:
Baller-Gerold syndrome (BGS). Also called: CRANIOSYNOSTOSIS WITH RADIAL DEFECTS. Identifiers: Orphanet 1225, MedGen C0265308, MONDO:0009039, OMIM 218600.

Allele frequency attached by ClinVar (database versions not stated): gnomAD 0.00001; 1000 Genomes Project 30x 0.00016; 1000 Genomes Project 0.00020.
gnomAD v4.1: 1 of 1,574,178 alleles (0.000064%); highest among the groups gnomAD compares: South Asian, 0.0012%; no homozygotes.

Submission:

Labcorp Genetics (formerly Invitae), Labcorp
Classification: Pathogenic for Baller-Gerold syndrome. Last evaluated: 2025-09-09. Review status: criteria provided, single submitter. Criteria: Invitae Variant Classification Sherloc (09022015). Collection method: clinical testing. Allele origin: germline.
Comment: This sequence change creates a premature translational stop signal (p.Gln654*) in the RECQL4 gene. It is expected to result in an absent or disrupted protein product. Loss-of-function variants in RECQL4 are known to be pathogenic (PMID: 12734318, 12952869). This variant is not present in population databases (gnomAD no frequency). This variant has not been reported in the literature in individuals affected with RECQL4-related conditions. ClinVar contains an entry for this variant (Variation ID: 528982). For these reasons, this variant has been classified as Pathogenic.

Literature cited by the submitters: PubMed 12734318; PubMed 12952869.